The following is an entry in ClinVar:

NC_000002.11:g.(?_74143691)_(74166169_?)del

Genes: ACTG2 (actin gamma 2, smooth muscle; plus strand), DGUOK (deoxyguanosine kinase; plus strand). Cytogenetic location: 2p13.1.
Variant type: Deletion.
Identifiers: ClinVar variation 3247577 (VCV003247577.1).

ClinVar aggregate classification (germline): Pathogenic (1 of 4 stars; one submission).

Submission:

Labcorp Genetics (formerly Invitae), Labcorp
Classification: Pathogenic. Last evaluated: 2022-11-18. Review status: criteria provided, single submitter. Criteria: Invitae Variant Classification Sherloc (09022015). Collection method: clinical testing. Allele origin: unknown.
Comment: For these reasons, this variant has been classified as Pathogenic. This variant has not been reported in the literature in individuals affected with DGUOK-related conditions. This variant is a gross deletion of the genomic region encompassing exon(s) 1-2 of the DGUOK gene, which includes the initiator codon. This deletion extends beyond the assayed region for this gene and therefore may encompass additional genes. It is expected to result in an absent or disrupted protein product. Loss-of-function variants in DGUOK are known to be pathogenic (PMID: 18205204).

Literature cited by the submitters: PubMed 18205204.